The following is an entry in ClinVar:

NM_016284.5(CNOT1):c.788G>C (p.Gly263Ala)

Gene: CNOT1 (CCR4-NOT transcription complex subunit 1; minus strand). Cytogenetic location: 16q21.
Variant type: single nucleotide variant.
Coding change: c.788G>C on transcript NM_016284.5 (MANE Select); coding-DNA position 788, G replaced by C.
Protein change: p.Gly263Ala; replaces glycine 263 with alanine.
Molecular consequence: missense variant. On other transcripts: non-coding transcript variant (1).
Genome position (GRCh38, 1-based): chr16:58,585,356, C>G on the plus strand (G>C on the coding strand, the complement: CNOT1 is on the minus strand). VCF-style: chr16-58585356-C-G. GRCh37 (hg19) VCF-style: chr16-58619260-C-G.
Other names: c.788G>C, p.Gly263Ala (NM_001265612.2, NM_206999.3); short protein forms G263A.
Identifiers: ClinVar variation 2080153 (VCV002080153.4), dbSNP rs2544096853, ClinGen allele CA396153623.

ClinVar aggregate classification (germline): Uncertain significance (1 of 4 stars; one submission).

Submission:

Labcorp Genetics (formerly Invitae), Labcorp
Classification: Uncertain significance. Last evaluated: 2022-08-16. Review status: criteria provided, single submitter. Criteria: Invitae Variant Classification Sherloc (09022015). Collection method: clinical testing. Allele origin: germline.
Comment: This sequence change replaces glycine, which is neutral and non-polar, with alanine, which is neutral and non-polar, at codon 263 of the CNOT1 protein (p.Gly263Ala). This variant is not present in population databases (gnomAD no frequency). In summary, the available evidence is currently insufficient to determine the role of this variant in disease. Therefore, it has been classified as a Variant of Uncertain Significance. Algorithms developed to predict the effect of sequence changes on RNA splicing suggest that this variant may disrupt the consensus splice site. Algorithms developed to predict the effect of missense changes on protein structure and function are either unavailable or do not agree on the potential impact of this missense change (SIFT: "Tolerated"; PolyPhen-2: "Probably Damaging"; Align-GVGD: "Class C0"). This variant has not been reported in the literature in individuals affected with CNOT1-related conditions.